The following is an entry in ClinVar:

ClinVar aggregate classification (germline): Pathogenic (1 of 4 stars; one submission).

Conditions:
Hereditary breast ovarian cancer syndrome. Also called: Breast and ovarian cancer; BRCA1- and BRCA2-Associated Hereditary Breast and Ovarian Cancer; Hereditary breast and ovarian cancer syndrome; Hereditary breast and/or ovarian cancer syndrome; Hereditary breast and ovarian cancer; Hereditary breast and ovarian cancer syndrome (HBOC). Identifiers: Orphanet 145, MedGen C0677776, MeSH D061325, MONDO:0003582. Disease mechanism: loss of function.

Submission:

Labcorp Genetics (formerly Invitae), Labcorp
Classification: Pathogenic for Hereditary breast ovarian cancer syndrome. Last evaluated: 2022-09-26. Review status: criteria provided, single submitter. Criteria: Invitae Variant Classification Sherloc (09022015). Collection method: clinical testing. Allele origin: germline.
Comment: This variant is a gross deletion of the genomic region encompassing exon(s) 16 of the BRCA1 gene. This deletion is out-of-frame, and is expected to create a premature termination codon and result in an absent or disrupted protein product. Loss-of-function variants in BRCA1 are known to be pathogenic (PMID: 20104584). A similar copy number variant has been observed in individual(s) with hereditary breast and ovarian cancer (PMID: 10435598, 16551709, 16715518, 18431737). This variant is also known as deletion of exon 17. For these reasons, this variant has been classified as Pathogenic.

Literature cited by the submitters: PubMed 20104584; PubMed 10435598; PubMed 16551709; PubMed 16715518; PubMed 18431737.

NC_000017.10:g.(?_41219605)_(41219732_?)del

Gene: BRCA1 (BRCA1 DNA repair associated; minus strand). Cytogenetic location: 17q21.31.
Variant type: Deletion.
Identifiers: ClinVar variation 1068886 (VCV001068886.2).